The following is an entry in ClinVar:

ClinVar aggregate classification (germline): Uncertain significance (1 of 4 stars; one submission).

Conditions:
Hermansky-Pudlak syndrome 2 (HPS2). Also called: Platelet defects and oculocutaneous albinism. Identifiers: Orphanet 183678, Orphanet 79430, MedGen C1842362, MONDO:0011997, OMIM 608233.

Allele frequency attached by ClinVar (database versions not stated): gnomAD exomes below 0.00001; gnomAD 0.00001; TOPMed 0.00001.
gnomAD v4.1: 5 of 1,613,698 alleles (0.00031%); highest among the groups gnomAD compares: Non-Finnish European, 0.00042%; no homozygotes.

Submission:

Labcorp Genetics (formerly Invitae), Labcorp
Classification: Uncertain significance for Hermansky-Pudlak syndrome 2. Last evaluated: 2021-08-27. Review status: criteria provided, single submitter. Criteria: Invitae Variant Classification Sherloc (09022015). Collection method: clinical testing. Allele origin: germline.
Comment: This sequence change replaces leucine with phenylalanine at codon 518 of the AP3B1 protein (p.Leu518Phe). The leucine residue is highly conserved and there is a small physicochemical difference between leucine and phenylalanine. This variant is not present in population databases (ExAC no frequency). This variant has not been reported in the literature in individuals affected with AP3B1-related conditions. Algorithms developed to predict the effect of missense changes on protein structure and function are either unavailable or do not agree on the potential impact of this missense change (SIFT: "Deleterious"; PolyPhen-2: "Possibly Damaging"; Align-GVGD: "Class C15"). Algorithms developed to predict the effect of sequence changes on RNA splicing suggest that this variant may create or strengthen a splice site. In summary, the available evidence is currently insufficient to determine the role of this variant in disease. Therefore, it has been classified as a Variant of Uncertain Significance.

NM_003664.5(AP3B1):c.1554G>C (p.Leu518Phe)

Gene: AP3B1 (adaptor related protein complex 3 subunit beta 1; minus strand). Cytogenetic location: 5q14.1.
Variant type: single nucleotide variant.
Coding change: c.1554G>C on transcript NM_003664.5 (MANE Select); coding-DNA position 1554, G replaced by C.
Protein change: p.Leu518Phe; replaces leucine 518 with phenylalanine.
Molecular consequence: missense variant.
Genome position (GRCh38, 1-based): chr5:78,141,239, C>G on the plus strand (G>C on the coding strand, the complement: AP3B1 is on the minus strand). VCF-style: chr5-78141239-C-G. GRCh37 (hg19) VCF-style: chr5-77437063-C-G.
Other names: c.1407G>C, p.Leu469Phe (NM_001271769.2); short protein forms L518F, L469F.
Identifiers: ClinVar variation 1432892 (VCV001432892.5), dbSNP rs1364578273, ClinGen allele CA360188928.